The following is an entry in ClinVar:

NM_000512.5(GALNS):c.740G>A (p.Gly247Asp)

Gene: GALNS (galactosamine (N-acetyl)-6-sulfatase; minus strand). Cytogenetic location: 16q24.3.
Variant type: single nucleotide variant.
Coding change: c.740G>A on transcript NM_000512.5 (MANE Select); coding-DNA position 740, G replaced by A.
Protein change: p.Gly247Asp; replaces glycine 247 with aspartic acid.
Molecular consequence: missense variant.
Genome position (GRCh38, 1-based): chr16:88,835,743, C>T on the plus strand (G>A on the coding strand, the complement: GALNS is on the minus strand). VCF-style: chr16-88835743-C-T. GRCh37 (hg19) VCF-style: chr16-88902151-C-T.
Other names: c.185G>A, p.Gly62Asp (NM_001323543.2); c.758G>A, p.Gly253Asp (NM_001323544.2); short protein forms G247D, G62D, G253D.
Identifiers: ClinVar variation 198426 (VCV000198426.26), dbSNP rs761385192, ClinGen allele CA247067.
Genomic context (GRCh38, chr16:88,835,743, plus strand): 5'-GGGCCTCCAGCGAGGTCTATGCTCCATGGAGCCAGGACTCACCGCCCTCGCTGACTGGTG[C>T]CCAAGAAGGGTTTGGAGGCATAGACGGGTGCGTGCGTGGCGTCGACAGCCCAGTAGAGGA-3'
Protein context (NP_000503.1, residues 237-257): APVYASKPFL[Gly247Asp]TSQRGRYGDA

ClinVar aggregate classification (germline): Conflicting classifications of pathogenicity. Review status: criteria provided, conflicting classifications (1 of 4 stars). 7 submissions from 7 submitters: Pathogenic (2); Likely pathogenic (4); Likely benign (1). Last evaluated 2025-10-23.

Conditions:
Morquio syndrome. Also called: Mucopolysaccharidosis, Type IV; MPS IV; Mucopolysaccharidosis type 4; Eccentrochondrodysplasia. Identifiers: Orphanet 582, MedGen C0026707, MONDO:0018938.
Mucopolysaccharidosis, MPS-IV-A (MPS4A). Also called: Morquio syndrome A, mild; MORQUIO SYNDROME A; Mucopolysaccharidosis Type IVA; MPS IVA; Mucopolysaccharidosis type IV A; mucopolysaccharidosis type 4A. Identifiers: Orphanet 309297, Orphanet 582, MedGen C0086651, MONDO:0009659, OMIM 253000.

Allele frequency attached by ClinVar (database versions not stated): gnomAD 0.00003 and 0.00004; gnomAD exomes 0.00003; ExAC 0.00004; TOPMed 0.00005.
gnomAD v4.1: 64 of 1,613,984 alleles (0.004%); highest among the groups gnomAD compares: Middle Eastern, 0.016%; no homozygotes.

Submissions (7):

Labcorp Genetics (formerly Invitae), Labcorp
Classification: Pathogenic for Mucopolysaccharidosis, MPS-IV-A. Last evaluated: 2025-10-23. Review status: criteria provided, single submitter. Criteria: Invitae Variant Classification Sherloc (09022015). Collection method: clinical testing. Allele origin: germline.
Comment: This sequence change replaces glycine, which is neutral and non-polar, with aspartic acid, which is acidic and polar, at codon 247 of the GALNS protein (p.Gly247Asp). This variant is present in population databases (rs761385192, gnomAD 0.005%). This missense change has been observed in individual(s) with mucopolysaccharidosis type IVA (PMID: 9298823, 15235041, 23876334). ClinVar contains an entry for this variant (Variation ID: 198426). Invitae Evidence Modeling of protein sequence and biophysical properties (such as structural, functional, and spatial information, amino acid conservation, physicochemical variation, residue mobility, and thermodynamic stability) indicates that this missense variant is expected to disrupt GALNS protein function with a positive predictive value of 95%. For these reasons, this variant has been classified as Pathogenic.

Clinical Genetics Laboratory, Skane University Hospital Lund
Classification: Likely pathogenic. Last evaluated: 2024-02-21. Review status: criteria provided, single submitter. Criteria: ACMG Guidelines, 2015. Collection method: clinical testing. Allele origin: germline. Affected: yes.

Women's Health and Genetics/Laboratory Corporation of America, LabCorp
Classification: Pathogenic for Morquio syndrome. Last evaluated: 2023-06-26. Review status: criteria provided, single submitter. Criteria: LabCorp Variant Classification Summary - May 2015. Collection method: clinical testing. Allele origin: germline.
Comment: Variant summary: GALNS c.740G>A (p.Gly247Asp) results in a non-conservative amino acid change located in the Sulfatase, N-terminal (IRP000917) of the encoded protein sequence. Three of five in-silico tools predict a damaging effect of the variant on protein function. The variant allele was found at a frequency of 2.8e-05 in 251280 control chromosomes (gnomAD). c.740G>A has been reported in the literature in multiple individuals affected with Mucopolysaccharidosis Type IVA (Morquio Syndrome A, Bhattacharya_2014, Bunge_1997, Dung_2013, Tomatsu_2004), and some were reported as compound heterozygous with likely pathogenic variants. These data indicate that the variant is very likely to be associated with disease. The following publications have been ascertained in the context of this evaluation (PMID: 23876334, 15235041, 9298823, 25433535). Five submitters have cited clinical-significance assessments for this variant to ClinVar after 2014, and classified it as pathogenic/likely pathogenic (n=4) or likely benign (n=1). Based on the evidence outlined above, the variant was classified as pathogenic.

Genome-Nilou Lab
Classification: Likely benign for Mucopolysaccharidosis, MPS-IV-A. Last evaluated: 2021-08-02. Review status: criteria provided, single submitter. Criteria: ACMG Guidelines, 2015. Collection method: clinical testing. Allele origin: germline. Inheritance: Autosomal recessive inheritance. Affected: no.

Laboratory of Diagnosis and Therapy of Lysosomal Disorders, University of Padova
Classification: Likely pathogenic for Mucopolysaccharidosis, MPS-IV-A. Last evaluated: 2021-02-01. Review status: criteria provided, single submitter. Criteria: ACMG Guidelines, 2015. Collection method: research. Allele origin: germline. Affected: yes.
Comment: In vivo functional studies supportive of a damaging effect on the gene product (low to null enzymatic activity in homozygotes; PS3_supporting); the prevalence of the variant in affected individuals is significantly increased compared with the prevalence in controls (PS4_strong); very low frequency in gnomAD v2.1.1 (PM2_moderate); multiple lines of computational evidence support a deleterious effect on the gene (PP3_supporting)

Laboratory for Molecular Medicine, Mass General Brigham Personalized Medicine
Classification: Likely pathogenic for Morquio syndrome. Last evaluated: 2018-01-18. Review status: criteria provided, single submitter. Criteria: LMM Criteria. Collection method: clinical testing. Allele origin: germline. Inheritance: Autosomal recessive inheritance. Observed: 1 variant allele.
Comment: VARIANT INTERPRETATION: The p.Gly247Asp (NM_000512.4 c.740G>A) variant in GALNS has been reported in at least 5 compound heterozygous patients with mucopolysacc haridosis type IVa (Bunge 1997, Tomatsu 2004, Bhattacharya 2014, and Morrone 201 4). This variant has also been identified in 6/126,672 of European chromosomes b y the Genome Aggregation Database (gnomAD; dbS NP rs761385192). Although this variant has been seen in the general population, its frequency is low enough to be consistent with a recessive carrier frequency. Computational prediction tools and conservation analysis do not provide strong support for or against an impact to the protein. In summary, although additional studies are required to fully establish its clinical significance, the p.Gly247 Asp variant is likely pathogenic for mucopolysaccaridosis type IVa in an autosom al recessive manner based on its occurrence in affected individuals. ACMG/AMP Cr iteria applied: PM2, PM3 (upgraded to Strong based on multiple occurrences) (Ric hards 2015).

Eurofins Ntd Llc (ga)
Classification: Likely pathogenic. Last evaluated: 2016-02-22. Review status: criteria provided, single submitter. Criteria: EGL Classification Definitions. Collection method: clinical testing. Allele origin: germline. Observed: 2 variant alleles, 2 heterozygotes.

Literature cited by the submitters: PubMed 9298823 (cited by 4 submitters); PubMed 15235041 (cited by 4 submitters); PubMed 23876334 (cited by 3 submitters); PubMed 25433535 (cited by Women's Health and Genetics/Laboratory Corporation of America, LabCorp and Laboratory for Molecular Medicine, Mass General Brigham Personalized Medicine); PubMed 16287098 (cited by Laboratory of Diagnosis and Therapy of Lysosomal Disorders, University of Padova); PubMed 24726177 (cited by Laboratory of Diagnosis and Therapy of Lysosomal Disorders, University of Padova and Laboratory for Molecular Medicine, Mass General Brigham Personalized Medicine); PubMed 34387910 (cited by Laboratory of Diagnosis and Therapy of Lysosomal Disorders, University of Padova).